The following is an entry in ClinVar:

NM_020207.7(ERCC6L2):c.2101-10G>A

Gene: ERCC6L2 (ERCC excision repair 6 like 2; plus strand). Cytogenetic location: 9q22.32.
Variant type: single nucleotide variant.
Coding change: c.2101-10G>A on transcript NM_020207.7 (MANE Select); 10 bases into the intron before coding-DNA position 2101, G replaced by A.
Molecular consequence: intron variant.
Genome position (GRCh38, 1-based): chr9:95,970,566, G>A. VCF-style: chr9-95970566-G-A. GRCh37 (hg19) VCF-style: chr9-98732848-G-A.
Other names: c.2101-10G>A (NM_001375291.1, NM_001375292.1, NM_001375294.1 and 1 more transcripts).
Identifiers: ClinVar variation 1337710 (VCV001337710.6), dbSNP rs1327824700, ClinGen allele CA589284956.

ClinVar aggregate classification (germline): Conflicting classifications of pathogenicity. Review status: criteria provided, conflicting classifications (1 of 4 stars). 2 submissions from 2 submitters: Uncertain significance (1); Likely benign (1). Last evaluated 2025-03-30.

Allele frequency attached by ClinVar (database versions not stated): gnomAD exomes below 0.00001; TOPMed below 0.00001; gnomAD 0.00001.
gnomAD v4.1: 6 of 1,299,526 alleles (0.00046%); highest among the groups gnomAD compares: South Asian, 0.0012%; no homozygotes.

Submissions (2):

Labcorp Genetics (formerly Invitae), Labcorp
Classification: Likely benign. Last evaluated: 2025-03-30. Review status: criteria provided, single submitter. Criteria: Invitae Variant Classification Sherloc (09022015). Collection method: clinical testing. Allele origin: germline.

Genetic Services Laboratory, University of Chicago
Classification: Uncertain significance. Last evaluated: 2020-09-08. Review status: criteria provided, single submitter. Criteria: ACMG Guidelines, 2015. Collection method: clinical testing. Allele origin: germline. Affected: no.
Comment: DNA sequence analysis of the ERCC6L2 gene demonstrated a sequence change in intron 14, c.2134-10G>A. This change does not appear to have been previously described in patients with ERCC6L2-related disorders and has been described in the gnomAD database in one individual with an overall population frequency of 0.003% (dbSNP rs1327824700). This sequence change is not clearly predicted to have a deleterious effect on splicing based on in silico splice prediction programs. It is possible that this sequence change represents a benign sequence change in the ERCC6L2 gene that has not been identified to date. The functional significance of this sequence change is not known at present and its contribution to a disease phenotype cannot definitively be determined.